The following is an entry in ClinVar:

ClinVar aggregate classification (germline): Uncertain significance (1 of 4 stars; one submission).

Submission:

Labcorp Genetics (formerly Invitae), Labcorp
Classification: Uncertain significance. Last evaluated: 2025-11-03. Review status: criteria provided, single submitter. Criteria: Invitae Variant Classification Sherloc (09022015). Collection method: clinical testing. Allele origin: germline.
Comment: This sequence change replaces threonine, which is neutral and polar, with isoleucine, which is neutral and non-polar, at codon 314 of the CSF1R protein (p.Thr314Ile). This variant is not present in population databases (gnomAD no frequency). This variant has not been reported in the literature in individuals affected with CSF1R-related conditions. ClinVar contains an entry for this variant (Variation ID: 2133223). Invitae Evidence Modeling of protein sequence and biophysical properties (such as structural, functional, and spatial information, amino acid conservation, physicochemical variation, residue mobility, and thermodynamic stability) indicates that this missense variant is not expected to disrupt CSF1R protein function with a negative predictive value of 95%. In summary, the available evidence is currently insufficient to determine the role of this variant in disease. Therefore, it has been classified as a Variant of Uncertain Significance.

NM_001288705.3(CSF1R):c.941C>T (p.Thr314Ile)

Gene: CSF1R (colony stimulating factor 1 receptor; minus strand). Cytogenetic location: 5q32.
Variant type: single nucleotide variant.
Coding change: c.941C>T on transcript NM_001288705.3 (MANE Select); coding-DNA position 941, C replaced by T.
Protein change: p.Thr314Ile; replaces threonine 314 with isoleucine.
Molecular consequence: missense variant. On other transcripts: non-coding transcript variant (2).
Genome position (GRCh38, 1-based): chr5:150,073,442, G>A on the plus strand (C>T on the coding strand, the complement: CSF1R is on the minus strand). VCF-style: chr5-150073442-G-A. GRCh37 (hg19) VCF-style: chr5-149453005-G-A.
Other names: c.941C>T, p.Thr314Ile (NM_001349736.2, NM_001375320.1, NM_005211.4); c.497C>T, p.Thr166Ile (NM_001375321.1); short protein forms T166I, T314I.
Identifiers: ClinVar variation 2133223 (VCV002133223.4), dbSNP rs2481021221, ClinGen allele CA361725011.
Genomic context (GRCh38, chr5:150,073,442, plus strand): 5'-AAACCTTGCAGGCCTGGGTAGGCCTCCACCATGACTTTGAGGTTGAGCCCCTCCCCCACG[G>A]TCACCTCCTGGATGAGGTTCTGCTCAGAGCTCAAGTTCAAGTAGGCACTCTCTGGAAAGC-3'
Protein context (NP_001275634.1, residues 304-324): SSEQNLIQEV[Thr314Ile]VGEGLNLKVM